The following is an entry in ClinVar:

NM_177438.3(DICER1):c.511C>T (p.Leu171Phe)

Gene: DICER1 (dicer 1, ribonuclease III; minus strand). Cytogenetic location: 14q32.13.
Variant type: single nucleotide variant.
Coding change: c.511C>T on transcript NM_177438.3 (MANE Select); coding-DNA position 511, C replaced by T.
Protein change: p.Leu171Phe; replaces leucine 171 with phenylalanine.
Molecular consequence: missense variant.
Genome position (GRCh38, 1-based): chr14:95,130,120, G>A on the plus strand (C>T on the coding strand, the complement: DICER1 is on the minus strand). VCF-style: chr14-95130120-G-A. GRCh37 (hg19) VCF-style: chr14-95596457-G-A.
Other names: c.511C>T, p.Leu171Phe (NM_001195573.1, NM_001271282.3, NM_001291628.2 and 1 more transcripts); short protein forms L171F.
Identifiers: ClinVar variation 967236 (VCV000967236.12), dbSNP rs1893828235, ClinGen allele CA390888459.

ClinVar aggregate classification (germline): Uncertain significance. Review status: criteria provided, multiple submitters, no conflicts (2 of 4 stars). 2 submissions from 2 submitters: Uncertain significance (2). Last evaluated 2024-07-28.

Conditions:
DICER1-related tumor predisposition. Also called: DICER1-related pleuropulmonary blastoma cancer predisposition syndrome; DICER1 syndrome. Identifiers: Orphanet 284343, MedGen C3839822, MONDO:0100216.
Hereditary cancer-predisposing syndrome. Also called: Hereditary neoplastic syndrome; Hereditary Cancer Syndrome; Tumor predisposition; Neoplastic Syndromes, Hereditary. Identifiers: Orphanet 140162, MedGen C0027672, MeSH D009386, MONDO:0015356.

Submissions (2):

Ambry Genetics
Classification: Uncertain significance for Hereditary cancer-predisposing syndrome. Last evaluated: 2024-07-28. Review status: criteria provided, single submitter. Criteria: Ambry Variant Classification Scheme 2023. Collection method: clinical testing. Allele origin: germline.
Comment: The p.L171F variant (also known as c.511C>T), located in coding exon 4 of the DICER1 gene, results from a C to T substitution at nucleotide position 511. The leucine at codon 171 is replaced by phenylalanine, an amino acid with highly similar properties. This amino acid position is conserved. In addition, the in silico prediction for this alteration is inconclusive. Based on the available evidence, the clinical significance of this variant remains unclear.

Labcorp Genetics (formerly Invitae), Labcorp
Classification: Uncertain significance for DICER1-related tumor predisposition. Last evaluated: 2019-10-04. Review status: criteria provided, single submitter. Criteria: Invitae Variant Classification Sherloc (09022015). Collection method: clinical testing. Allele origin: germline.
Comment: This sequence change replaces leucine with phenylalanine at codon 171 of the DICER1 protein (p.Leu171Phe). The leucine residue is highly conserved and there is a small physicochemical difference between leucine and phenylalanine. This variant is not present in population databases (ExAC no frequency). This variant has not been reported in the literature in individuals with DICER1-related conditions. Algorithms developed to predict the effect of missense changes on protein structure and function are either unavailable or do not agree on the potential impact of this missense change (SIFT: "Deleterious"; PolyPhen-2: "Possibly Damaging"; Align-GVGD: "Class C0"). In summary, the available evidence is currently insufficient to determine the role of this variant in disease. Therefore, it has been classified as a Variant of Uncertain Significance.